The following is an entry in ClinVar:

ClinVar aggregate classification (germline): Uncertain significance (1 of 4 stars; one submission).

Conditions:
Emery-Dreifuss muscular dystrophy 5, autosomal dominant (EDMD5). Also called: EMERY-DREIFUSS MUSCULAR DYSTROPHY 5. Identifiers: Orphanet 261, MedGen C2751805, MONDO:0013072, OMIM 612999.

Allele frequency attached by ClinVar (database versions not stated): gnomAD exomes below 0.00001; TOPMed below 0.00001.
gnomAD v4.1: 1 of 1,613,860 alleles (0.000062%); highest among the groups gnomAD compares: Admixed American, 0.0017%; no homozygotes.

Submission:

Labcorp Genetics (formerly Invitae), Labcorp
Classification: Uncertain significance for Emery-Dreifuss muscular dystrophy 5, autosomal dominant. Last evaluated: 2024-01-03. Review status: criteria provided, single submitter. Criteria: Invitae Variant Classification Sherloc (09022015). Collection method: clinical testing. Allele origin: germline.
Comment: This sequence change replaces isoleucine, which is neutral and non-polar, with valine, which is neutral and non-polar, at codon 4209 of the SYNE2 protein (p.Ile4209Val). This variant is present in population databases (no rsID available, gnomAD 0.003%). This variant has not been reported in the literature in individuals affected with SYNE2-related conditions. ClinVar contains an entry for this variant (Variation ID: 1954409). Algorithms developed to predict the effect of missense changes on protein structure and function output the following: SIFT: "Not Available"; PolyPhen-2: "Benign"; Align-GVGD: "Not Available". The valine amino acid residue is found in multiple mammalian species, which suggests that this missense change does not adversely affect protein function. In summary, the available evidence is currently insufficient to determine the role of this variant in disease. Therefore, it has been classified as a Variant of Uncertain Significance.

NM_182914.3(SYNE2):c.12625A>G (p.Ile4209Val)

Gene: SYNE2 (spectrin repeat containing nuclear envelope protein 2; plus strand). Cytogenetic location: 14q23.2.
Variant type: single nucleotide variant.
Coding change: c.12625A>G on transcript NM_182914.3 (MANE Select); coding-DNA position 12625, A replaced by G.
Protein change: p.Ile4209Val; replaces isoleucine 4209 with valine.
Molecular consequence: missense variant.
Genome position (GRCh38, 1-based): chr14:64,113,356, A>G. VCF-style: chr14-64113356-A-G. GRCh37 (hg19) VCF-style: chr14-64580074-A-G.
Other names: c.12625A>G, p.Ile4209Val (NM_015180.6); short protein forms I4209V.
Identifiers: ClinVar variation 1954409 (VCV001954409.5), dbSNP rs1346857645, ClinGen allele CA389957558.